The following is an entry in ClinVar:

ClinVar aggregate classification (germline): Uncertain significance (1 of 4 stars; one submission).

Conditions:
Periodic fever-infantile enterocolitis-autoinflammatory syndrome. Also called: Autoinflammation with infantile enterocolitis. Identifiers: Orphanet 436166, MedGen C4015067, MONDO:0014472, OMIM 616050.
Familial cold autoinflammatory syndrome 4 (FCAS4). Identifiers: Orphanet 47045, Orphanet 576349, MedGen C4015276, MONDO:0014498, OMIM 616115.

Allele frequency attached by ClinVar (database versions not stated): gnomAD exomes 0.00001; TOPMed below 0.00001.

Submission:

Labcorp Genetics (formerly Invitae), Labcorp
Classification: Uncertain significance for Periodic fever-infantile enterocolitis-autoinflammatory syndrome; Familial cold autoinflammatory syndrome 4. Last evaluated: 2022-01-17. Review status: criteria provided, single submitter. Criteria: Invitae Variant Classification Sherloc (09022015). Collection method: clinical testing. Allele origin: germline.
Comment: In summary, the available evidence is currently insufficient to determine the role of this variant in disease. Therefore, it has been classified as a Variant of Uncertain Significance. Algorithms developed to predict the effect of missense changes on protein structure and function (SIFT, PolyPhen-2, Align-GVGD) all suggest that this variant is likely to be tolerated. This variant has not been reported in the literature in individuals affected with NLRC4-related conditions. This variant is present in population databases (no rsID available, gnomAD 0.006%). This sequence change replaces glycine, which is neutral and non-polar, with serine, which is neutral and polar, at codon 632 of the NLRC4 protein (p.Gly632Ser).

NM_001199138.2(NLRC4):c.1894G>A (p.Gly632Ser)

Gene: NLRC4 (NLR family CARD domain containing 4; minus strand). Cytogenetic location: 2p22.3.
Variant type: single nucleotide variant.
Coding change: c.1894G>A on transcript NM_001199138.2 (MANE Select); coding-DNA position 1894, G replaced by A.
Protein change: p.Gly632Ser; replaces glycine 632 with serine.
Molecular consequence: missense variant. On other transcripts: intron variant (1).
Genome position (GRCh38, 1-based): chr2:32,249,970, C>T on the plus strand (G>A on the coding strand, the complement: NLRC4 is on the minus strand). VCF-style: chr2-32249970-C-T. GRCh37 (hg19) VCF-style: chr2-32475039-C-T.
Other names: c.1894G>A, p.Gly632Ser (NM_001199139.2, NM_021209.5); c.262+2449G>A (NM_001302504.1); short protein forms G632S.
Identifiers: ClinVar variation 1936719 (VCV001936719.5), dbSNP rs1326605497, ClinGen allele CA346511467.